The following is an entry in ClinVar:

NM_004183.4(BEST1):c.50_52del (p.Phe17del)

Gene: BEST1 (bestrophin 1; plus strand). Cytogenetic location: 11q12.3.
Variant type: Deletion.
Coding change: c.50_52del on transcript NM_004183.4 (MANE Select); coding-DNA positions 50 to 52, 3 bases deleted (TCT; older notation c.50_52delTCT).
Protein change: p.Phe17del; deletes phenylalanine 17.
Molecular consequence: inframe deletion. On other transcripts: non-coding transcript variant (1), intron variant (6).
Genome position (GRCh38, 1-based): chr11:61,951,856-61,951,858, TCT deleted; deleting any 3 consecutive bases within chr11:61,951,854-61,951,858 gives the same sequence; the c. name uses the placement nearest the transcript's 3' end. VCF-style (leftmost placement, unchanged base first): chr11-61951853-CCTT-C. GRCh37 (hg19) VCF-style: chr11-61719325-CCTT-C.
Other names: c.50_52del, p.Phe17del (NM_001363592.2, NM_001440571.1, NM_001440572.1 and 1 more transcripts); c.-29+1429_-29+1431del (NM_001139443.3, NM_001300787.2, NM_001440574.1 and 3 more transcripts); short protein forms F17del.
Identifiers: ClinVar variation 1475966 (VCV001475966.8), dbSNP rs2134409356, ClinGen allele CA2573147303.

ClinVar aggregate classification (germline): Uncertain significance (1 of 4 stars; one submission).

Submission:

Labcorp Genetics (formerly Invitae), Labcorp
Classification: Uncertain significance. Last evaluated: 2022-06-09. Review status: criteria provided, single submitter. Criteria: Invitae Variant Classification Sherloc (09022015). Collection method: clinical testing. Allele origin: germline.
Comment: In summary, the available evidence is currently insufficient to determine the role of this variant in disease. Therefore, it has been classified as a Variant of Uncertain Significance. Experimental studies and prediction algorithms are not available or were not evaluated, and the functional significance of this variant is currently unknown. This variant has been observed in individual(s) with clinical features of Best disease (Invitae). This variant is not present in population databases (gnomAD no frequency). This variant, c.50_52del, results in the deletion of 1 amino acid(s) of the BEST1 protein (p.Phe17del), but otherwise preserves the integrity of the reading frame.